The following is an entry in ClinVar:

ClinVar aggregate classification (germline): Uncertain significance. Review status: criteria provided, multiple submitters, no conflicts (2 of 4 stars). 3 submissions from 3 submitters: Uncertain significance (3). Last evaluated 2025-08-07.

Conditions:
Hereditary cancer-predisposing syndrome. Also called: Hereditary neoplastic syndrome; Neoplastic Syndromes, Hereditary; Tumor predisposition; Hereditary Cancer Syndrome. Identifiers: Orphanet 140162, MedGen C0027672, MeSH D009386, MONDO:0015356.
Oligodontia-cancer predisposition syndrome. Also called: TOOTH AGENESIS-COLORECTAL CANCER SYNDROME. Identifiers: Orphanet 300576, MedGen C1837750, MONDO:0012075, OMIM 608615. Disease mechanism: loss of function.

Allele frequency attached by ClinVar (database versions not stated): gnomAD exomes below 0.00001; TOPMed below 0.00001; ExAC 0.00001; gnomAD 0.00002; ESP Exome Variant Server 0.00008.
gnomAD v4.1: 4 of 1,613,284 alleles (0.00025%); highest among the groups gnomAD compares: African/African-American, 0.0053%; no homozygotes.

Submissions (3):

Labcorp Genetics (formerly Invitae), Labcorp
Classification: Uncertain significance for Oligodontia-cancer predisposition syndrome. Last evaluated: 2025-08-07. Review status: criteria provided, single submitter. Criteria: Invitae Variant Classification Sherloc (09022015). Collection method: clinical testing. Allele origin: germline.
Comment: This sequence change replaces lysine, which is basic and polar, with threonine, which is neutral and polar, at codon 631 of the AXIN2 protein (p.Lys631Thr). This variant is not present in population databases (gnomAD no frequency). This variant has not been reported in the literature in individuals affected with AXIN2-related conditions. ClinVar contains an entry for this variant (Variation ID: 1005001). Invitae Evidence Modeling of protein sequence and biophysical properties (such as structural, functional, and spatial information, amino acid conservation, physicochemical variation, residue mobility, and thermodynamic stability) indicates that this missense variant is not expected to disrupt AXIN2 protein function with a negative predictive value of 80%. In summary, the available evidence is currently insufficient to determine the role of this variant in disease. Therefore, it has been classified as a Variant of Uncertain Significance.

Ambry Genetics
Classification: Uncertain significance for Hereditary cancer-predisposing syndrome. Last evaluated: 2024-11-28. Review status: criteria provided, single submitter. Criteria: Ambry Variant Classification Scheme 2023. Collection method: clinical testing. Allele origin: germline.
Comment: The p.K631T variant (also known as c.1892A>C), located in coding exon 6 of the AXIN2 gene, results from an A to C substitution at nucleotide position 1892. The lysine at codon 631 is replaced by threonine, an amino acid with similar properties. This amino acid position is conserved. In addition, this alteration is predicted to be tolerated by in silico analysis. Based on the available evidence, the clinical significance of this variant remains unclear.

GeneDx
Classification: Uncertain significance. Last evaluated: 2022-09-01. Review status: criteria provided, single submitter. Criteria: GeneDx Variant Classification Process June 2021. Collection method: clinical testing. Allele origin: germline. Affected: yes.
Comment: Not observed at significant frequency in large population cohorts (gnomAD); In silico analysis supports that this missense variant does not alter protein structure/function; Has not been previously published as pathogenic or benign to our knowledge

NM_004655.4(AXIN2):c.1892A>C (p.Lys631Thr)

Gene: AXIN2 (axin 2; minus strand). Cytogenetic location: 17q24.1.
Variant type: single nucleotide variant.
Coding change: c.1892A>C on transcript NM_004655.4 (MANE Select); coding-DNA position 1892, A replaced by C.
Protein change: p.Lys631Thr; replaces lysine 631 with threonine.
Molecular consequence: missense variant. On other transcripts: intron variant (1).
Genome position (GRCh38, 1-based): chr17:65,536,884, T>G on the plus strand (A>C on the coding strand, the complement: AXIN2 is on the minus strand). VCF-style: chr17-65536884-T-G. GRCh37 (hg19) VCF-style: chr17-63533002-T-G.
Other names: c.1892A>C (NM_004655.3); c.1713-331A>C (NM_001363813.1); short protein forms K631T.
Identifiers: ClinVar variation 1005001 (VCV001005001.10), dbSNP rs139945372, ClinGen allele CA8718502.